The following is an entry in ClinVar:

ClinVar aggregate classification (germline): Uncertain significance (1 of 4 stars; one submission).

Conditions:
Brain small vessel disease 2B, autosomal recessive. Identifiers: MedGen C6065929, MONDO:0980747, OMIM 621414.
Brain small vessel disease 2A, autosomal dominant. Also called: Porencephaly 2. Identifiers: Orphanet 2940, Orphanet 99810, MedGen C3280970, MONDO:0013773, OMIM 614483.
Hemorrhage, intracerebral, susceptibility to (ICH). Also called: Stroke, hemorrhagic, susceptibility to. Identifiers: MedGen C3281105, MONDO:0100533, OMIM 614519.

Submission:

Juno Genomics, Hangzhou Juno Genomics, Inc
Classification: Uncertain significance for Hemorrhage, intracerebral, susceptibility to; Brain small vessel disease 2A, autosomal dominant; Brain small vessel disease 2B, autosomal recessive. Review status: criteria provided, single submitter. Criteria: ACMG Guidelines, 2015. Collection method: clinical testing. Allele origin: germline. Affected: yes.
Comment: Absent from controls (or at extremely low frequency if recessive) in Genome Aggregation Database.;Multiple lines of computational evidence support a deleterious effect on the gene or gene product.

NM_001846.4(COL4A2):c.2452G>C (p.Gly818Arg)

Gene: COL4A2 (collagen type IV alpha 2 chain; plus strand). Cytogenetic location: 13q34.
Variant type: single nucleotide variant.
Coding change: c.2452G>C on transcript NM_001846.4 (MANE Select); coding-DNA position 2452, G replaced by C.
Protein change: p.Gly818Arg; replaces glycine 818 with arginine.
Molecular consequence: missense variant.
Genome position (GRCh38, 1-based): chr13:110,478,029, G>C. VCF-style: chr13-110478029-G-C. GRCh37 (hg19) VCF-style: chr13-111130376-G-C.
Other names: short protein forms G818R.
Identifiers: ClinVar variation 5019150 (VCV005019150.1).